The following is an entry in ClinVar:

ClinVar aggregate classification (germline): Uncertain significance. Review status: criteria provided, multiple submitters, no conflicts (2 of 4 stars). 2 submissions from 2 submitters: Uncertain significance (2). Last evaluated 2025-07-28.

Allele frequency attached by ClinVar (database versions not stated): ExAC 0.00001; ESP Exome Variant Server 0.00008.
gnomAD v4.1: 8 of 1,613,434 alleles (0.0005%); highest among the groups gnomAD compares: African/African-American, 0.011%; no homozygotes.

Submissions (2):

GeneDx
Classification: Uncertain significance. Last evaluated: 2025-07-28. Review status: criteria provided, single submitter. Criteria: GeneDx Variant Classification Process June 2021. Collection method: clinical testing. Allele origin: germline.
Comment: In silico analysis suggests that this missense variant does not alter protein structure/function; Has not been previously published as pathogenic or benign to our knowledge

Labcorp Genetics (formerly Invitae), Labcorp
Classification: Uncertain significance. Last evaluated: 2022-10-05. Review status: criteria provided, single submitter. Criteria: Invitae Variant Classification Sherloc (09022015). Collection method: clinical testing. Allele origin: germline.
Comment: This sequence change replaces leucine, which is neutral and non-polar, with valine, which is neutral and non-polar, at codon 1549 of the MPDZ protein (p.Leu1549Val). This variant is present in population databases (rs369732746, gnomAD 0.01%). This variant has not been reported in the literature in individuals affected with MPDZ-related conditions. ClinVar contains an entry for this variant (Variation ID: 1401498). Algorithms developed to predict the effect of missense changes on protein structure and function (SIFT, PolyPhen-2, Align-GVGD) all suggest that this variant is likely to be disruptive. In summary, the available evidence is currently insufficient to determine the role of this variant in disease. Therefore, it has been classified as a Variant of Uncertain Significance.

NM_001378778.1(MPDZ):c.4645C>G (p.Leu1549Val)

Gene: MPDZ (multiple PDZ domain crumbs cell polarity complex component; minus strand). Cytogenetic location: 9p23.
Variant type: single nucleotide variant.
Coding change: c.4645C>G on transcript NM_001378778.1 (MANE Select); coding-DNA position 4645, C replaced by G.
Protein change: p.Leu1549Val; replaces leucine 1549 with valine.
Molecular consequence: missense variant.
Genome position (GRCh38, 1-based): chr9:13,125,378, G>C on the plus strand (C>G on the coding strand, the complement: MPDZ is on the minus strand). VCF-style: chr9-13125378-G-C. GRCh37 (hg19) VCF-style: chr9-13125377-G-C.
Other names: c.4546C>G, p.Leu1516Val (NM_001261406.2, NM_001261407.2, NM_001375416.1 and 3 more transcripts); c.4645C>G, p.Leu1549Val (NM_001330637.2, NM_003829.5); c.4744C>G, p.Leu1582Val (NM_001375413.1); c.4435C>G, p.Leu1479Val (NM_001375420.1, NM_001375421.1, NM_001375422.1 and 4 more transcripts); c.4237C>G, p.Leu1413Val (NM_001375427.1); c.4645C>G (NM_003829.4); short protein forms L1479V, L1582V, L1413V, L1516V, L1549V.
Identifiers: ClinVar variation 1401498 (VCV001401498.6), dbSNP rs369732746, ClinGen allele CA4986607.
Genomic context (GRCh38, chr9:13,125,378, plus strand): 5'-CCTGGGAATCTGGATTCTCAGCATGGATGGTAAGTTTTACTGTCATCTTTGCTGTCTTCA[G>C]AAGGCTAATAAACTGGCAGGGTGTATGTGTGGAAGAGAAACAAAATTCAAAGCTGAATTA-3'
Protein context (NP_001365707.1, residues 1539-1559): GYPIEKFISL[Leu1549Val]KTAKMTVKLT